The following is an entry in ClinVar:

NM_001008537.3(NEXMIF):c.480G>C (p.Glu160Asp)

Gene: NEXMIF (neurite extension and migration factor; minus strand). Cytogenetic location: Xq13.3.
Variant type: single nucleotide variant.
Coding change: c.480G>C on transcript NM_001008537.3 (MANE Select); coding-DNA position 480, G replaced by C.
Protein change: p.Glu160Asp; replaces glutamic acid 160 with aspartic acid.
Molecular consequence: missense variant.
Genome position (GRCh38, 1-based): chrX:74,744,077, C>G on the plus strand (G>C on the coding strand, the complement: NEXMIF is on the minus strand). VCF-style: chrX-74744077-C-G. GRCh37 (hg19) VCF-style: chrX-73963912-C-G.
Other names: short protein forms E160D.
Identifiers: ClinVar variation 3640135 (VCV003640135.2).

ClinVar aggregate classification (germline): Uncertain significance (1 of 4 stars; one submission).

Submission:

Labcorp Genetics (formerly Invitae), Labcorp
Classification: Uncertain significance. Last evaluated: 2024-02-11. Review status: criteria provided, single submitter. Criteria: Invitae Variant Classification Sherloc (09022015). Collection method: clinical testing. Allele origin: germline.
Comment: This sequence change replaces glutamic acid, which is acidic and polar, with aspartic acid, which is acidic and polar, at codon 160 of the NEXMIF protein (p.Glu160Asp). This variant is not present in population databases (gnomAD no frequency). This variant has not been reported in the literature in individuals affected with NEXMIF-related conditions. An algorithm developed to predict the effect of missense changes on protein structure and function (PolyPhen-2) suggests that this variant is likely to be tolerated. In summary, the available evidence is currently insufficient to determine the role of this variant in disease. Therefore, it has been classified as a Variant of Uncertain Significance.